The following is an entry in ClinVar:

ClinVar aggregate classification (germline): Uncertain significance. Review status: criteria provided, multiple submitters, no conflicts (2 of 4 stars). 2 submissions from 2 submitters: Uncertain significance (2). Last evaluated 2023-05-25.

gnomAD v4.1: 2 of 1,612,402 alleles (0.00012%); highest among the groups gnomAD compares: East Asian, 0.0045%; no homozygotes.

Submissions (2):

Blueprint Genetics
Classification: Uncertain significance. Last evaluated: 2023-05-25. Review status: criteria provided, single submitter. Criteria: ACMG Guidelines, 2015. Collection method: clinical testing. Allele origin: germline.

Labcorp Genetics (formerly Invitae), Labcorp
Classification: Uncertain significance. Last evaluated: 2022-11-03. Review status: criteria provided, single submitter. Criteria: Invitae Variant Classification Sherloc (09022015). Collection method: clinical testing. Allele origin: germline.
Comment: In summary, the available evidence is currently insufficient to determine the role of this variant in disease. Therefore, it has been classified as a Variant of Uncertain Significance. Advanced modeling of protein sequence and biophysical properties (such as structural, functional, and spatial information, amino acid conservation, physicochemical variation, residue mobility, and thermodynamic stability) performed at Invitae indicates that this missense variant is not expected to disrupt WFS1 protein function. This variant has not been reported in the literature in individuals affected with WFS1-related conditions. This variant is not present in population databases (gnomAD no frequency). This sequence change replaces valine, which is neutral and non-polar, with leucine, which is neutral and non-polar, at codon 545 of the WFS1 protein (p.Val545Leu).

NM_006005.3(WFS1):c.1633G>T (p.Val545Leu)

Gene: WFS1 (wolframin ER transmembrane glycoprotein; plus strand). Cytogenetic location: 4p16.1.
Variant type: single nucleotide variant.
Coding change: c.1633G>T on transcript NM_006005.3 (MANE Select); coding-DNA position 1633, G replaced by T.
Protein change: p.Val545Leu; replaces valine 545 with leucine.
Molecular consequence: missense variant.
Genome position (GRCh38, 1-based): chr4:6,301,428, G>T. VCF-style: chr4-6301428-G-T. GRCh37 (hg19) VCF-style: chr4-6303155-G-T.
Other names: c.1633G>T, p.Val545Leu (NM_001145853.1); short protein forms V545L.
Identifiers: ClinVar variation 2114599 (VCV002114599.5), dbSNP rs201993978, ClinGen allele CA356176357.